The following is an entry in ClinVar:

NM_001039.4(SCNN1G):c.*1369C>T

Gene: SCNN1G (sodium channel epithelial 1 subunit gamma; plus strand). Cytogenetic location: 16p12.2.
Variant type: single nucleotide variant.
Coding change: c.*1369C>T on transcript NM_001039.4 (MANE Select); 1369 bases downstream of the stop codon, C replaced by T.
Molecular consequence: 3 prime UTR variant.
Genome position (GRCh38, 1-based): chr16:23,216,838, C>T. VCF-style: chr16-23216838-C-T. GRCh37 (hg19) VCF-style: chr16-23228159-C-T.
Identifiers: ClinVar variation 318380 (VCV000318380.7), dbSNP rs72647549, ClinGen allele CA10637361.

ClinVar aggregate classification (germline): Benign. Review status: criteria provided, multiple submitters, no conflicts (2 of 4 stars). 3 submissions from 2 submitters: Benign (3). Last evaluated 2021-05-22.

Conditions:
Liddle syndrome 2. Identifiers: MedGen C4748251, MONDO:0020854, OMIM 618114.
Pseudohypoaldosteronism, type IB1, autosomal recessive. Also called: Pseudohypoaldosteronism, Type I, Autosomal Recessive; PHA I, AUTOSOMAL RECESSIVE; Pseudohypoaldosteronism, Type I, Recessive; Autosomal recessive pseudohypoaldosteronism type 1. Identifiers: Orphanet 171876, Orphanet 756, MedGen C5774176, MONDO:0009917, OMIM 264350.

Allele frequency attached by ClinVar (database versions not stated): 1000 Genomes Project 0.03075; gnomAD 0.03206 and 0.03455; 1000 Genomes Project 30x 0.03357; TOPMed 0.03581.

Submissions (3):

GeneDx
Classification: Benign. Last evaluated: 2021-05-22. Review status: criteria provided, single submitter. Criteria: GeneDx Variant Classification Process June 2021. Collection method: clinical testing. Allele origin: germline. Affected: yes.

Illumina Laboratory Services, Illumina
Classification: Benign for Liddle syndrome 2. Last evaluated: 2017-04-27. Review status: criteria provided, single submitter. Criteria: ICSL Variant Classification Criteria 13 December 2019. Collection method: clinical testing. Allele origin: germline.
Comment: This variant was observed as part of a predisposition screen in an ostensibly healthy population. A literature search was performed for the gene, cDNA change, and amino acid change (where applicable). No publications were found based on this search. Allele frequency data from public databases was too high to be consistent with this variant causing disease. Therefore, this variant is classified as benign.

Illumina Laboratory Services, Illumina
Classification: Benign for Pseudohypoaldosteronism, type IB1, autosomal recessive. Last evaluated: 2017-04-27. Review status: criteria provided, single submitter. Criteria: ICSL Variant Classification Criteria 13 December 2019. Collection method: clinical testing. Allele origin: germline.
Comment: the same text as in the submission from Illumina Laboratory Services, Illumina above.